The following is an entry in ClinVar:

NM_007254.4(PNKP):c.495C>T (p.Gly165=)

Gene: PNKP (polynucleotide kinase 3'-phosphatase; minus strand). Cytogenetic location: 19q13.33.
Variant type: single nucleotide variant.
Coding change: c.495C>T on transcript NM_007254.4 (MANE Select); coding-DNA position 495, C replaced by T.
Protein change: p.Gly165=; no amino-acid change (glycine 165 retained).
Molecular consequence: synonymous variant.
Genome position (GRCh38, 1-based): chr19:49,865,130, G>A on the plus strand (C>T on the coding strand, the complement: PNKP is on the minus strand). VCF-style: chr19-49865130-G-A. GRCh37 (hg19) VCF-style: chr19-50368387-G-A.
Identifiers: ClinVar variation 3377860 (VCV003377860.1).

ClinVar aggregate classification (germline): Uncertain significance (1 of 4 stars; one submission).

gnomAD v4.1: 1 of 1,613,540 alleles (0.000062%); highest among the groups gnomAD compares: Admixed American, 0.0017%; no homozygotes.

Submission:

GeneDx
Classification: Uncertain significance. Last evaluated: 2024-05-18. Review status: criteria provided, single submitter. Criteria: GeneDx Variant Classification Process June 2021. Collection method: clinical testing. Allele origin: germline. Affected: yes.
Comment: Not observed at significant frequency in large population cohorts (gnomAD); In silico analysis supports a deleterious effect on splicing; Has not been previously published as pathogenic or benign to our knowledge